The following is an entry in ClinVar:

ClinVar aggregate classification (germline): Uncertain significance (1 of 4 stars; one submission).

gnomAD v4.1: 16 of 1,585,420 alleles (0.001%); highest among the groups gnomAD compares: South Asian, 0.0011%; 1 homozygote.

Submission:

Labcorp Genetics (formerly Invitae), Labcorp
Classification: Uncertain significance. Last evaluated: 2025-09-25. Review status: criteria provided, single submitter. Criteria: Invitae Variant Classification Sherloc (09022015). Collection method: clinical testing. Allele origin: germline.
Comment: This sequence change replaces serine, which is neutral and polar, with leucine, which is neutral and non-polar, at codon 385 of the MNX1 protein (p.Ser385Leu). This variant is present in population databases (rs764995287, gnomAD 0.004%). This variant has not been reported in the literature in individuals affected with MNX1-related conditions. Experimental studies and prediction algorithms are not available or were not evaluated, and the functional significance of this variant is currently unknown. In summary, the available evidence is currently insufficient to determine the role of this variant in disease. Therefore, it has been classified as a Variant of Uncertain Significance.

NM_005515.4(MNX1):c.1154C>T (p.Ser385Leu)

Gene: MNX1 (motor neuron and pancreas homeobox 1; minus strand). Cytogenetic location: 7q36.3.
Variant type: single nucleotide variant.
Coding change: c.1154C>T on transcript NM_005515.4 (MANE Select); coding-DNA position 1154, C replaced by T.
Protein change: p.Ser385Leu; replaces serine 385 with leucine.
Molecular consequence: missense variant.
Genome position (GRCh38, 1-based): chr7:157,005,572, G>A on the plus strand (C>T on the coding strand, the complement: MNX1 is on the minus strand). VCF-style: chr7-157005572-G-A. GRCh37 (hg19) VCF-style: chr7-156798266-G-A.
Other names: c.518C>T, p.Ser173Leu (NM_001165255.2); short protein forms S173L, S385L.
Identifiers: ClinVar variation 4698835 (VCV004698835.1).